The following is an entry in ClinVar:

ClinVar aggregate classification (germline): Uncertain significance (1 of 4 stars; one submission).

gnomAD v4.1: 3 of 1,489,594 alleles (0.0002%); highest among the groups gnomAD compares: Non-Finnish European, 0.00027%; no homozygotes.

Submission:

GeneDx
Classification: Uncertain significance. Last evaluated: 2024-07-02. Review status: criteria provided, single submitter. Criteria: GeneDx Variant Classification Process June 2021. Collection method: clinical testing. Allele origin: germline. Affected: yes.
Comment: Not observed at significant frequency in large population cohorts (gnomAD); Has not been previously published as pathogenic or benign to our knowledge; Alters the Kozak sequence, which plays a major role in the initiation of translation

NM_006086.4(TUBB3):c.-5C>T

Genes: TUBB3 (tubulin beta 3 class III; plus strand), LOC130059847 (ATAC-STARR-seq lymphoblastoid silent region 7932; plus strand). Cytogenetic location: 16q24.3.
Variant type: single nucleotide variant.
Coding change: c.-5C>T on transcript NM_006086.4 (MANE Select); 5 bases upstream of the start codon, C replaced by T.
Molecular consequence: 5 prime UTR variant. On other transcripts: intron variant (1).
Genome position (GRCh38, 1-based): chr16:89,923,397, C>T. VCF-style: chr16-89923397-C-T. GRCh37 (hg19) VCF-style: chr16-89989805-C-T.
Other names: c.-160+1152C>T (NM_001197181.2).
Identifiers: ClinVar variation 3393825 (VCV003393825.1).